The following is an entry in ClinVar:

NM_001365536.1(SCN9A):c.3223G>A (p.Asp1075Asn)

Genes: SCN1A-AS1 (SCN1A and SCN9A antisense RNA 1; plus strand), SCN9A (sodium voltage-gated channel alpha subunit 9; minus strand). Cytogenetic location: 2q24.3.
Variant type: single nucleotide variant.
Coding change: c.3223G>A on transcript NM_001365536.1 (MANE Select); coding-DNA position 3223, G replaced by A.
Protein change: p.Asp1075Asn; replaces aspartic acid 1075 with asparagine.
Molecular consequence: missense variant.
Genome position (GRCh38, 1-based): chr2:166,272,527, C>T on the plus strand (G>A on the coding strand, the complement: SCN9A is on the minus strand). VCF-style: chr2-166272527-C-T. GRCh37 (hg19) VCF-style: chr2-167129037-C-T.
Other names: c.3190G>A, p.Asp1064Asn (NM_002977.4); short protein forms D1064N, D1075N.
Identifiers: ClinVar variation 2651506 (VCV002651506.24), dbSNP rs2467983383, ClinGen allele CA349073067.

ClinVar aggregate classification (germline): Uncertain significance (1 of 4 stars; one submission).

Submission:

CeGaT Center for Human Genetics Tuebingen
Classification: Uncertain significance. Last evaluated: 2023-08-01. Review status: criteria provided, single submitter. Criteria: CeGaT Center For Human Genetics Tuebingen Variant Classification Criteria Version 2. Collection method: clinical testing. Allele origin: germline. Affected: yes. Observed: 1 variant allele.
Comment: SCN9A: PM2